The following is an entry in ClinVar:

NM_001754.5(RUNX1):c.98-3dup

Gene: RUNX1 (RUNX family transcription factor 1; minus strand). Cytogenetic location: 21q22.12.
Variant type: Duplication.
Coding change: c.98-3dup on transcript NM_001754.5 (MANE Select); 3 bases into the intron before coding-DNA position 98, one base duplicated (T; older notation c.98-3dupT).
Molecular consequence: intron variant. On other transcripts: frameshift variant (2).
Genome position (GRCh38, 1-based): chr21:34,887,099, A duplicated on the plus strand (T on the coding strand, the reverse complement: RUNX1 is on the minus strand). VCF-style (leftmost placement, unchanged base first): chr21-34887098-T-TA. GRCh37 (hg19) VCF-style: chr21-36259395-T-TA.
Other names: c.14dup, p.Asp6fs (NM_001001890.3, NM_001122607.2); short protein forms D6fs.
Identifiers: ClinVar variation 1063856 (VCV001063856.10), dbSNP rs2146414668, ClinGen allele CA2499225886.

ClinVar aggregate classification (germline): Uncertain significance. Review status: reviewed by expert panel (3 of 4 stars). 2 submissions from 2 submitters: Uncertain significance (1). 1 of the submissions does not count toward it. Last evaluated 2025-01-15.

Conditions:
Hereditary thrombocytopenia and hematologic cancer predisposition syndrome. Identifiers: Orphanet 71290, MedGen CN281654, MONDO:0011071.
Hereditary thrombocytopenia and hematological cancer predisposition syndrome associated with RUNX1. Also called: PLATELET DISORDER, ASPIRIN-LIKE; Familial Platelet Disorder with Propensity to Acute Myelogenous Leukemia; Familial thrombocytopenia with propensity to acute myelogenous leukemia; RUNX1 Familial Platelet Disorder with Associated Myeloid Malignancies. Identifiers: Orphanet 71290, MedGen C1832388, MeSH C563324, MONDO:0100083, OMIM 601399.

Submissions (2):

ClinGen Myeloid Malignancy Variant Curation Expert Panel
Classification: Uncertain significance for Hereditary thrombocytopenia and hematologic cancer predisposition syndrome. Last evaluated: 2025-01-15. Review status: reviewed by expert panel. Criteria: ClinGen MyeloMalig ACMG Specifications v2. Collection method: curation. Allele origin: germline. Inheritance: Autosomal dominant inheritance.
Comment: NM_001754.5(RUNX1):c.98-3dup is an intronic variant which is completely absent from all population databases with at least 20x coverage for RUNX1 (PM2_Supporting). In summary, the clinical significance of this variant is uncertain. ACMG/AMP criteria applied, as specified by the Myeloid Malignancy Variant Curation Expert Panel for RUNX1: PM2_supporting.

Labcorp Genetics (formerly Invitae), Labcorp
Classification: Uncertain significance for Hereditary thrombocytopenia and hematological cancer predisposition syndrome associated with RUNX1. Last evaluated: 2020-10-25. Review status: criteria provided, single submitter. Criteria: Invitae Variant Classification Sherloc (09022015). Collection method: clinical testing. Allele origin: germline. Not counted in ClinVar's aggregate classification.
Comment: In summary, the available evidence is currently insufficient to determine the role of this variant in disease. Therefore, it has been classified as a Variant of Uncertain Significance. Algorithms developed to predict the effect of sequence changes on RNA splicing suggest that this variant may disrupt the consensus splice site, but this prediction has not been confirmed by published transcriptional studies. This variant has not been reported in the literature in individuals with RUNX1-related conditions. This variant is not present in population databases (ExAC no frequency). This sequence change falls in intron 3 of the RUNX1 gene. It does not directly change the encoded amino acid sequence of the RUNX1 protein.